The following is an entry in ClinVar:

NM_001080467.3(MYO5B):c.2407G>A (p.Ala803Thr)

Gene: MYO5B (myosin VB; minus strand). Cytogenetic location: 18q21.1.
Variant type: single nucleotide variant.
Coding change: c.2407G>A on transcript NM_001080467.3 (MANE Select); coding-DNA position 2407, G replaced by A.
Protein change: p.Ala803Thr; replaces alanine 803 with threonine.
Molecular consequence: missense variant.
Genome position (GRCh38, 1-based): chr18:49,906,426, C>T on the plus strand (G>A on the coding strand, the complement: MYO5B is on the minus strand). VCF-style: chr18-49906426-C-T. GRCh37 (hg19) VCF-style: chr18-47432796-C-T.
Other names: short protein forms A803T.
Identifiers: ClinVar variation 889796 (VCV000889796.6), dbSNP rs760481978, ClinGen allele CA8961108.

ClinVar aggregate classification (germline): Uncertain significance. Review status: criteria provided, multiple submitters, no conflicts (2 of 4 stars). 2 submissions from 2 submitters: Uncertain significance (2). Last evaluated 2022-06-26.

Conditions:
Congenital microvillous atrophy (DIAR2). Also called: MICROVILLUS ATROPHY, CONGENITAL; Microvillus inclusion disease; DAVIDSON DISEASE; CONGENITAL FAMILIAL PROTRACTED DIARRHEA WITH ENTEROCYTE BRUSH-BORDER ABNORMALITIES; Diarrhea 2 with microvillus atrophy, with or without cholestasis. Identifiers: Orphanet 2290, MedGen C0341306, MONDO:0009635, OMIM 251850.

Allele frequency attached by ClinVar (database versions not stated): gnomAD exomes 0.00001; ExAC 0.00002; gnomAD 0.00002; TOPMed 0.00003.
gnomAD v4.1: 19 of 1,613,964 alleles (0.0012%); highest among the groups gnomAD compares: Non-Finnish European, 0.0016%; no homozygotes.

Submissions (2):

Labcorp Genetics (formerly Invitae), Labcorp
Classification: Uncertain significance. Last evaluated: 2022-06-26. Review status: criteria provided, single submitter. Criteria: Invitae Variant Classification Sherloc (09022015). Collection method: clinical testing. Allele origin: germline.
Comment: In summary, the available evidence is currently insufficient to determine the role of this variant in disease. Therefore, it has been classified as a Variant of Uncertain Significance. Algorithms developed to predict the effect of missense changes on protein structure and function are either unavailable or do not agree on the potential impact of this missense change (SIFT: "Deleterious"; PolyPhen-2: "Probably Damaging"; Align-GVGD: "Class C0"). ClinVar contains an entry for this variant (Variation ID: 889796). This variant has not been reported in the literature in individuals affected with MYO5B-related conditions. This variant is present in population databases (rs760481978, gnomAD 0.003%). This sequence change replaces alanine, which is neutral and non-polar, with threonine, which is neutral and polar, at codon 803 of the MYO5B protein (p.Ala803Thr).

Illumina Laboratory Services, Illumina
Classification: Uncertain significance for Congenital microvillous atrophy. Last evaluated: 2018-01-13. Review status: criteria provided, single submitter. Criteria: ICSL Variant Classification Criteria 13 December 2019. Collection method: clinical testing. Allele origin: germline.